The following is an entry in ClinVar:

ClinVar aggregate classification (germline): Likely benign (1 of 4 stars; one submission).

Conditions:
Werner syndrome (WRN). Identifiers: Orphanet 902, MedGen C0043119, MONDO:0010196, OMIM 277700.

Allele frequency attached by ClinVar (database versions not stated): gnomAD exomes 0.00068; 1000 Genomes Project 0.00599; TOPMed 0.00631; 1000 Genomes Project 30x 0.00609.

Submission:

Illumina Laboratory Services, Illumina
Classification: Likely benign for Werner syndrome. Last evaluated: 2018-01-13. Review status: criteria provided, single submitter. Criteria: ICSL Variant Classification Criteria 13 December 2019. Collection method: clinical testing. Allele origin: germline.
Comment: This variant was observed in the ICSL laboratory as part of a predisposition screen in an ostensibly healthy population. It had not been previously curated by ICSL or reported in the Human Gene Mutation Database (HGMD: prior to June 1st, 2018), and was therefore a candidate for classification through an automated scoring system. Utilizing variant allele frequency, disease prevalence and penetrance estimates, and inheritance mode, an automated score was calculated to assess if this variant is too frequent to cause the disease. Based on the score and internal cut-off values, a variant classified as likely benign is not then subjected to further curation. The score for this variant resulted in a classification of likely benign for this disease.

NM_000553.4(WRN):c.-631G>C

Gene: WRN (WRN RecQ like helicase; plus strand). Cytogenetic location: 8p12.
Variant type: single nucleotide variant.
Coding change: c.-631G>C on transcript NM_000553.4; 631 bases upstream of the start codon, G replaced by C.
Genome position (GRCh38, 1-based): chr8:31,033,419, G>C. VCF-style: chr8-31033419-G-C. GRCh37 (hg19) VCF-style: chr8-30890935-G-C.
Identifiers: ClinVar variation 910942 (VCV000910942.6), dbSNP rs10112017, ClinGen allele CA174888248.